The following is an entry in ClinVar:

ClinVar aggregate classification (germline): Uncertain significance (1 of 4 stars; one submission).

Allele frequency attached by ClinVar (database versions not stated): gnomAD exomes 0.00001.
gnomAD v4.1: 7 of 1,612,934 alleles (0.00043%); highest among the groups gnomAD compares: Non-Finnish European, 0.00051%; no homozygotes.

Submission:

Labcorp Genetics (formerly Invitae), Labcorp
Classification: Uncertain significance. Last evaluated: 2024-09-06. Review status: criteria provided, single submitter. Criteria: Invitae Variant Classification Sherloc (09022015). Collection method: clinical testing. Allele origin: germline.
Comment: This sequence change replaces alanine, which is neutral and non-polar, with serine, which is neutral and polar, at codon 38 of the MAPKAPK3 protein (p.Ala38Ser). The frequency data for this variant in the population databases is considered unreliable, as metrics indicate poor data quality at this position in the gnomAD database. This variant has not been reported in the literature in individuals affected with MAPKAPK3-related conditions. ClinVar contains an entry for this variant (Variation ID: 1357580). An algorithm developed to predict the effect of missense changes on protein structure and function (PolyPhen-2) suggests that this variant is likely to be tolerated. In summary, the available evidence is currently insufficient to determine the role of this variant in disease. Therefore, it has been classified as a Variant of Uncertain Significance.

NM_001243925.2(MAPKAPK3):c.112G>T (p.Ala38Ser)

Gene: MAPKAPK3 (MAPK activated protein kinase 3; plus strand). Cytogenetic location: 3p21.2.
Variant type: single nucleotide variant.
Coding change: c.112G>T on transcript NM_001243925.2 (MANE Select); coding-DNA position 112, G replaced by T.
Protein change: p.Ala38Ser; replaces alanine 38 with serine.
Molecular consequence: missense variant.
Genome position (GRCh38, 1-based): chr3:50,617,677, G>T. VCF-style: chr3-50617677-G-T. GRCh37 (hg19) VCF-style: chr3-50655108-G-T.
Other names: c.112G>T, p.Ala38Ser (NM_001243926.2, NM_004635.5); short protein forms A38S.
Identifiers: ClinVar variation 1357580 (VCV001357580.8), dbSNP rs1391053347, ClinGen allele CA352961491.